The following is an entry in ClinVar:

NM_013275.6(ANKRD11):c.6791C>T (p.Pro2264Leu)

Gene: ANKRD11 (ankyrin repeat domain 11; minus strand). Cytogenetic location: 16q24.3.
Variant type: single nucleotide variant.
Coding change: c.6791C>T on transcript NM_013275.6 (MANE Select); coding-DNA position 6791, C replaced by T.
Protein change: p.Pro2264Leu; replaces proline 2264 with leucine.
Molecular consequence: missense variant.
Genome position (GRCh38, 1-based): chr16:89,279,751, G>A on the plus strand (C>T on the coding strand, the complement: ANKRD11 is on the minus strand). VCF-style: chr16-89279751-G-A. GRCh37 (hg19) VCF-style: chr16-89346159-G-A.
Other names: c.6791C>T, p.Pro2264Leu (NM_001256182.2, NM_001256183.2); short protein forms P2264L.
Identifiers: ClinVar variation 1267775 (VCV001267775.11), dbSNP rs565435346, ClinGen allele CA8241335.

ClinVar aggregate classification (germline): Benign/Likely benign. Review status: criteria provided, multiple submitters, no conflicts (2 of 4 stars). 5 submissions from 5 submitters: Benign (2); Likely benign (2). 1 of the submissions does not count toward it. Last evaluated 2026-05-13.

Conditions:
ANKRD11-related disorder. Also called: ANKRD11-related condition.
KBG syndrome (KBGS). Also called: ANKRD11-Related KBG Syndrome. Identifiers: Orphanet 2332, MedGen C0220687, MONDO:0007846, OMIM 148050.

Allele frequency attached by ClinVar (database versions not stated): gnomAD 0.00056 and 0.00061; TOPMed 0.00061; 1000 Genomes Project 30x 0.00078; 1000 Genomes Project 0.00080.
gnomAD v4.1: 171 of 1,525,374 alleles (0.011%); highest among the groups gnomAD compares: African/African-American, 0.19%; no homozygotes.

Submissions (5):

Women's Health and Genetics/Laboratory Corporation of America, LabCorp
Classification: Likely benign. Last evaluated: 2026-05-13. Review status: criteria provided, single submitter. Criteria: LabCorp Variant Classification Summary - May 2015. Collection method: clinical testing. Allele origin: germline.

Labcorp Genetics (formerly Invitae), Labcorp
Classification: Benign for KBG syndrome. Last evaluated: 2025-11-03. Review status: criteria provided, single submitter. Criteria: Invitae Variant Classification Sherloc (09022015). Collection method: clinical testing. Allele origin: germline.

Blueprint Genetics
Classification: Likely benign. Last evaluated: 2024-10-14. Review status: criteria provided, single submitter. Criteria: ACMG Guidelines, 2015. Collection method: clinical testing. Allele origin: germline.

GeneDx
Classification: Benign. Last evaluated: 2020-06-12. Review status: criteria provided, single submitter. Criteria: GeneDx Variant Classification Process June 2021. Collection method: clinical testing. Allele origin: germline. Affected: yes.

PreventionGenetics, part of Exact Sciences
Classification: Likely benign for ANKRD11-related condition. Last evaluated: 2021-04-15. Review status: no assertion criteria provided. Collection method: clinical testing. Allele origin: germline. Not counted in ClinVar's aggregate classification.
Comment: This variant is classified as likely benign based on ACMG/AMP sequence variant interpretation guidelines (Richards et al. 2015 PMID: 25741868, with internal and published modifications).